The following is an entry in ClinVar:

ClinVar aggregate classification (germline): Pathogenic (1 of 4 stars; one submission).

Conditions:
Primary ciliary dyskinesia. Also called: Ciliary dyskinesia. Identifiers: Orphanet 244, MedGen C0008780, MONDO:0016575, HP:0012265.

Submission:

Labcorp Genetics (formerly Invitae), Labcorp
Classification: Pathogenic for Primary ciliary dyskinesia. Last evaluated: 2021-11-02. Review status: criteria provided, single submitter. Criteria: Invitae Variant Classification Sherloc (09022015). Collection method: clinical testing. Allele origin: germline.
Comment: This variant is a gross deletion of the genomic region encompassing exon(s) 45-46 of the DNAH5 gene. This variant would be expected to be in-frame, preserving the integrity of the reading frame. This variant has not been reported in the literature in individuals affected with DNAH5-related conditions. This variant disrupts a region of the DNAH5 protein in which other variant(s) (p.Arg2501Pro) have been determined to be pathogenic (PMID: 16627867, 19357118, 25802884, 30067075, 32357925; Invitae). This suggests that this is a clinically significant region of the protein, and that variants that disrupt it are likely to be disease-causing. For these reasons, this variant has been classified as Pathogenic.

Literature cited by the submitters: PubMed 16627867; PubMed 19357118; PubMed 25802884; PubMed 30067075; PubMed 32357925.

NC_000005.9:g.(?_13809143)_(13810379_?)del

Gene: DNAH5 (dynein axonemal heavy chain 5; minus strand). Cytogenetic location: 5p15.2.
Variant type: Deletion.
Identifiers: ClinVar variation 1457931 (VCV001457931.11).